The following is an entry in ClinVar:

ClinVar aggregate classification (germline): Uncertain significance. Review status: criteria provided, multiple submitters, no conflicts (2 of 4 stars). 2 submissions from 2 submitters: Uncertain significance (2). Last evaluated 2025-05-05.

Conditions:
Bloom syndrome (BLM). Also called: Bloom-Torre-Machacek syndrome. Identifiers: Orphanet 125, MedGen C0005859, MONDO:0008876, OMIM 210900.
Hereditary cancer-predisposing syndrome. Also called: Neoplastic Syndromes, Hereditary; Hereditary Cancer Syndrome; Tumor predisposition; Hereditary neoplastic syndrome. Identifiers: Orphanet 140162, MedGen C0027672, MeSH D009386, MONDO:0015356.

Submissions (2):

Labcorp Genetics (formerly Invitae), Labcorp
Classification: Uncertain significance for Bloom syndrome. Last evaluated: 2025-05-05. Review status: criteria provided, single submitter. Criteria: Invitae Variant Classification Sherloc (09022015). Collection method: clinical testing. Allele origin: germline.
Comment: This sequence change replaces serine, which is neutral and polar, with phenylalanine, which is neutral and non-polar, at codon 580 of the BLM protein (p.Ser580Phe). This variant is not present in population databases (gnomAD no frequency). This variant has not been reported in the literature in individuals affected with BLM-related conditions. ClinVar contains an entry for this variant (Variation ID: 2848586). Invitae Evidence Modeling of protein sequence and biophysical properties (such as structural, functional, and spatial information, amino acid conservation, physicochemical variation, residue mobility, and thermodynamic stability) indicates that this missense variant is not expected to disrupt BLM protein function with a negative predictive value of 80%. In summary, the available evidence is currently insufficient to determine the role of this variant in disease. Therefore, it has been classified as a Variant of Uncertain Significance.

Ambry Genetics
Classification: Uncertain significance for Hereditary cancer-predisposing syndrome. Last evaluated: 2024-08-30. Review status: criteria provided, single submitter. Criteria: Ambry Variant Classification Scheme 2023. Collection method: clinical testing. Allele origin: germline.
Comment: The p.S580F variant (also known as c.1739C>T), located in coding exon 6 of the BLM gene, results from a C to T substitution at nucleotide position 1739. The serine at codon 580 is replaced by phenylalanine, an amino acid with highly dissimilar properties. This amino acid position is conserved. In addition, this alteration is predicted to be tolerated by in silico analysis. Based on the available evidence, the clinical significance of this variant remains unclear.

NM_000057.4(BLM):c.1739C>T (p.Ser580Phe)

Gene: BLM (BLM RecQ like helicase; plus strand). Cytogenetic location: 15q26.1.
Variant type: single nucleotide variant.
Coding change: c.1739C>T on transcript NM_000057.4 (MANE Select); coding-DNA position 1739, C replaced by T.
Protein change: p.Ser580Phe; replaces serine 580 with phenylalanine.
Molecular consequence: missense variant.
Genome position (GRCh38, 1-based): chr15:90,761,112, C>T. VCF-style: chr15-90761112-C-T. GRCh37 (hg19) VCF-style: chr15-91304342-C-T.
Other names: c.1739C>T, p.Ser580Phe (NM_001287246.2, NM_001287247.2); c.614C>T, p.Ser205Phe (NM_001287248.2); short protein forms S205F, S580F.
Identifiers: ClinVar variation 2848586 (VCV002848586.4), dbSNP rs1895974290, ClinGen allele CA393843744.